The following is an entry in ClinVar:

ClinVar aggregate classification (germline): Likely pathogenic (1 of 4 stars; one submission).

Submission:

Mayo Clinic Laboratories, Mayo Clinic
Classification: Likely pathogenic. Last evaluated: 2024-09-06. Review status: criteria provided, single submitter. Criteria: ACMG Guidelines, 2015. Collection method: clinical testing. Allele origin: germline. Observed: 1 variant allele.
Comment: PP4, PM1, PM2, PM4

NM_000061.3(BTK):c.1546_1548del (p.Gln516del)

Gene: BTK (Bruton tyrosine kinase; minus strand). Cytogenetic location: Xq22.1.
Variant type: Deletion.
Coding change: c.1546_1548del on transcript NM_000061.3 (MANE Select); coding-DNA positions 1546 to 1548, 3 bases deleted (CAG; older notation c.1546_1548delCAG).
Protein change: p.Gln516del; deletes glutamine 516.
Molecular consequence: inframe indel (on NM_000061.2). On other transcripts: intron variant (1).
Genome position (GRCh38, 1-based): chrX:101,356,070-101,356,072, CTG deleted on the plus strand (CAG on the coding strand, the reverse complement: BTK is on the minus strand); deleting any 3 consecutive bases within chrX:101,356,070-101,356,074 gives the same sequence; the c. name uses the placement nearest the transcript's 3' end. VCF-style (leftmost placement, unchanged base first): chrX-101356069-ACTG-A. GRCh37 (hg19) VCF-style: chrX-100611057-ACTG-A.
Other names: p.Gln516del; c.1544_1546delAGC, p.Gln516del (NM_000061.2); c.1648_1650del, p.Gln550del (NM_001287344.2); c.1039-1378_1039-1376del (NM_001287345.2); short protein forms Q516del, Q550del.
Identifiers: ClinVar variation 3380926 (VCV003380926.1).